The following is an entry in ClinVar:

ClinVar aggregate classification (germline): Pathogenic. Review status: reviewed by expert panel (3 of 4 stars). 4 submissions from 4 submitters: Pathogenic (1). 3 of the submissions do not count toward it. Last evaluated 2016-10-18.

Conditions:
Hereditary cancer-predisposing syndrome. Also called: Hereditary Cancer Syndrome; Neoplastic Syndromes, Hereditary; Hereditary neoplastic syndrome; Tumor predisposition. Identifiers: Orphanet 140162, MedGen C0027672, MeSH D009386, MONDO:0015356.
Breast-ovarian cancer, familial, susceptibility to, 1 (BROVCA1). Also called: BRCA1 Hereditary Breast and Ovarian Cancer; OVARIAN CANCER, SUSCEPTIBILITY TO. Identifiers: Orphanet 145, MedGen C2676676, MONDO:0011450, OMIM 604370. Disease mechanism: loss of function.

Submissions (4):

Evidence-based Network for the Interpretation of Germline Mutant Alleles (ENIGMA)
Classification: Pathogenic for Breast-ovarian cancer, familial, susceptibility to, 1. Last evaluated: 2016-10-18. Review status: reviewed by expert panel. Criteria: ENIGMA BRCA1/2 Classification Criteria (2015). Collection method: curation. Allele origin: germline.
Comment: Variant allele predicted to encode a truncated non-functional protein.

Ambry Genetics
Classification: Pathogenic for Hereditary cancer-predisposing syndrome. Last evaluated: 2015-10-29. Review status: criteria provided, single submitter. Criteria: Ambry Variant Classification Scheme 2023. Collection method: clinical testing. Allele origin: germline. Not counted in ClinVar's aggregate classification.
Comment: The p.Y655* pathogenic mutation (also known as c.1965C>A), located in coding exon 9 of the BRCA1 gene, results from a C to A substitution at nucleotide position 1965. This changes the amino acid from a tyrosine to a stop codon within coding exon 9. This alteration has been reported in one HBOC family from France and one from northern Spain (Lecarpentier J et al. Breast Cancer Res. 2012; 14(4):R99; Blay P et al. BMC Cancer 2013; 13:243). Since premature stop codons are typically deleterious in nature, this alteration is interpreted as a disease-causing mutation (ACMG Recommendations for Standards for Interpretation and Reporting of Sequence Variations. Revision 2007. Genet Med. 2008;10:294).

Consortium of Investigators of Modifiers of BRCA1/2 (CIMBA), c/o University of Cambridge
Classification: Pathogenic for Breast-ovarian cancer, familial, susceptibility to, 1. Last evaluated: 2015-10-02. Review status: criteria provided, single submitter. Criteria: CIMBA Mutation Classification guidelines May 2016. Collection method: clinical testing. Allele origin: germline. Not counted in ClinVar's aggregate classification.

Molecular Oncology, Hospital Universitario Central de Asturias (HUCA)
Classification: Pathogenic for Breast-ovarian cancer, familial, susceptibility to, 1. Last evaluated: 2021-05-24. Review status: no assertion criteria provided. Collection method: case-control. Allele origin: germline. Affected: yes. Not counted in ClinVar's aggregate classification.

Literature cited by the submitters: PubMed 22762150 (cited by Ambry Genetics); PubMed 23683081 (cited by Ambry Genetics); PubMed 38922859 (cited by Molecular Oncology, Hospital Universitario Central de Asturias (HUCA)).

NM_007294.4(BRCA1):c.1965C>A (p.Tyr655Ter)

Gene: BRCA1 (BRCA1 DNA repair associated; minus strand). Cytogenetic location: 17q21.31.
Variant type: single nucleotide variant.
Coding change: c.1965C>A on transcript NM_007294.4 (MANE Select); coding-DNA position 1965, C replaced by A.
Protein change: p.Tyr655Ter; replaces tyrosine 655 with a stop codon.
Molecular consequence: nonsense. On other transcripts: intron variant (137).
Genome position (GRCh38, 1-based): chr17:43,093,566, G>T on the plus strand (C>A on the coding strand, the complement: BRCA1 is on the minus strand). VCF-style: chr17-43093566-G-T. GRCh37 (hg19) VCF-style: chr17-41245583-G-T.
Other names: 2084C>A-Tyr655ter; c.1752C>A, p.Tyr584Ter (NM_001407571.1, NM_001407915.1, NM_001407916.1 and 9 more transcripts); c.1965C>A, p.Tyr655Ter (NM_001407581.1, NM_001407582.1, NM_001407583.1 and 30 more transcripts); c.1962C>A, p.Tyr654Ter (NM_001407587.1, NM_001407590.1, NM_001407591.1 and 22 more transcripts); c.1887C>A, p.Tyr629Ter (NM_001407655.1, NM_001407656.1, NM_001407657.1 and 4 more transcripts); c.1884C>A, p.Tyr628Ter (NM_001407659.1, NM_001407660.1, NM_001407661.1 and 1 more transcripts); c.1842C>A, p.Tyr614Ter (NM_001407674.1, NM_001407675.1, NM_001407676.1 and 19 more transcripts); c.1824C>A, p.Tyr608Ter (NM_001407694.1, NM_001407695.1, NM_001407696.1 and 29 more transcripts); and 41 more; short protein forms Y655*, Y608*, Y629*, Y652*, Y527*, Y528*, Y584*, Y588*.
Identifiers: ClinVar variation 266207 (VCV000266207.12), dbSNP rs886039987, ClinGen allele CA10589903.